The following is an entry in ClinVar:

NM_182707.3(PSG8):c.937A>C (p.Arg313=)

Gene: PSG8 (pregnancy specific beta-1-glycoprotein 8; minus strand). Cytogenetic location: 19q13.2.
Variant type: single nucleotide variant.
Coding change: c.937A>C on transcript NM_182707.3 (MANE Select); coding-DNA position 937, A replaced by C.
Protein change: p.Arg313=; no amino-acid change (arginine 313 retained).
Molecular consequence: synonymous variant.
Genome position (GRCh38, 1-based): chr19:42,755,039, T>G on the plus strand (A>C on the coding strand, the complement: PSG8 is on the minus strand). VCF-style: chr19-42755039-T-G. GRCh37 (hg19) VCF-style: chr19-43259191-T-G.
Other names: c.937A>C, p.Arg313= (NM_001130167.2); c.571A>C, p.Arg191= (NM_001130168.2).
Identifiers: ClinVar variation 3025946 (VCV003025946.22), dbSNP rs372083751, ClinGen allele CA9479376.

ClinVar aggregate classification (germline): Likely benign (1 of 4 stars; one submission).

Allele frequency attached by ClinVar (database versions not stated): ExAC 0.00015; gnomAD exomes 0.00015; gnomAD 0.00042.
gnomAD v4.1: 360 of 1,612,940 alleles (0.022%); highest among the groups gnomAD compares: Admixed American, 0.053%; 7 homozygotes.

Submission:

CeGaT Center for Human Genetics Tuebingen
Classification: Likely benign. Last evaluated: 2024-01-01. Review status: criteria provided, single submitter. Criteria: CeGaT Center For Human Genetics Tuebingen Variant Classification Criteria Version 2. Collection method: clinical testing. Allele origin: germline. Affected: yes. Observed: 1 variant allele.
Comment: PSG8: BP4, BP7